The following is an entry in ClinVar:

NM_014712.3(SETD1A):c.2635G>A (p.Ala879Thr)

Gene: SETD1A (SET domain containing 1A, histone lysine methyltransferase; plus strand). Cytogenetic location: 16p11.2.
Variant type: single nucleotide variant.
Coding change: c.2635G>A on transcript NM_014712.3 (MANE Select); coding-DNA position 2635, G replaced by A.
Protein change: p.Ala879Thr; replaces alanine 879 with threonine.
Molecular consequence: missense variant.
Genome position (GRCh38, 1-based): chr16:30,967,013, G>A. VCF-style: chr16-30967013-G-A. GRCh37 (hg19) VCF-style: chr16-30978334-G-A.
Other names: short protein forms A879T.
Identifiers: ClinVar variation 3050920 (VCV003050920.2), dbSNP rs145597825, ClinGen allele CA8016974.

ClinVar aggregate classification (germline): Likely benign (0 of 4 stars; one submission).

Conditions:
SETD1A-related disorder. Also called: SETD1A-related condition.

Allele frequency attached by ClinVar (database versions not stated): gnomAD exomes 0.00012; TOPMed 0.00016; gnomAD 0.00017; ExAC 0.00035; 1000 Genomes Project 0.00120; 1000 Genomes Project 30x 0.00125.
gnomAD v4.1: 194 of 1,600,200 alleles (0.012%); highest among the groups gnomAD compares: East Asian, 0.14%; no homozygotes.

Submission:

PreventionGenetics, part of Exact Sciences
Classification: Likely benign for SETD1A-related condition. Last evaluated: 2020-09-18. Review status: no assertion criteria provided. Collection method: clinical testing. Allele origin: germline.
Comment: This variant is classified as likely benign based on ACMG/AMP sequence variant interpretation guidelines (Richards et al. 2015 PMID: 25741868, with internal and published modifications).